The following is an entry in ClinVar:

Conditions:
Breast-ovarian cancer, familial, susceptibility to, 1 (BROVCA1). Also called: BRCA1 Hereditary Breast and Ovarian Cancer; OVARIAN CANCER, SUSCEPTIBILITY TO. Identifiers: Orphanet 145, MedGen C2676676, MONDO:0011450, OMIM 604370. Disease mechanism: loss of function.

Submission:

Brotman Baty Institute, University of Washington
No classification provided (evidence only). Condition: Breast-ovarian cancer, familial 1. Review status: no classification provided. Collection method: in vitro. Allele origin: not applicable. Functional consequence: functionally_normal.
ClinVar note: "not provided" was previously submitted as the classification for the variant. However, the classification appeared to be based only on an observation of functional data so it was converted to no classification on 2025-07-30.

NM_007294.4(BRCA1):c.5368T>G (p.Ser1790Ala)

Gene: BRCA1 (BRCA1 DNA repair associated; minus strand). Cytogenetic location: 17q21.31.
Variant type: single nucleotide variant.
Coding change: c.5368T>G on transcript NM_007294.4 (MANE Select); coding-DNA position 5368, T replaced by G.
Protein change: p.Ser1790Ala; replaces serine 1790 with alanine.
Molecular consequence: missense variant. On other transcripts: non-coding transcript variant (1), intron variant (1).
Genome position (GRCh38, 1-based): chr17:43,049,159, A>C on the plus strand (T>G on the coding strand, the complement: BRCA1 is on the minus strand). VCF-style: chr17-43049159-A-C. GRCh37 (hg19) VCF-style: chr17-41201176-A-C.
Other names: c.5155T>G, p.Ser1719Ala (NM_001407571.1, NM_001407906.1, NM_001407907.1 and 12 more transcripts); c.5434T>G, p.Ser1812Ala (NM_001407581.1, NM_001407582.1); c.5431T>G, p.Ser1811Ala (NM_001407583.1, NM_001407585.1, NM_001407587.1 and 1 more transcripts); c.5428T>G, p.Ser1810Ala (NM_001407590.1, NM_001407591.1); c.5368T>G, p.Ser1790Ala (NM_001407593.1, NM_001407594.1, NM_001407596.1 and 5 more transcripts); c.5365T>G, p.Ser1789Ala (NM_001407610.1, NM_001407611.1, NM_001407612.1 and 14 more transcripts); c.5362T>G, p.Ser1788Ala (NM_001407627.1, NM_001407628.1, NM_001407629.1 and 13 more transcripts); c.5356T>G, p.Ser1786Ala (NM_001407646.1); and 73 more; short protein forms S1743A, S686A, S1790A, S1811A, S1663A, S1678A, S1700A, S1721A.
Identifiers: ClinVar variation 865389 (VCV000865389.3), dbSNP rs1567758993, ClinGen allele CA10590732.